The following is an entry in ClinVar:

NM_000052.7(ATP7A):c.1871G>A (p.Ser624Asn)

Gene: ATP7A (ATPase copper transporting alpha; plus strand). Cytogenetic location: Xq21.1.
Variant type: single nucleotide variant.
Coding change: c.1871G>A on transcript NM_000052.7 (MANE Select); coding-DNA position 1871, G replaced by A.
Protein change: p.Ser624Asn; replaces serine 624 with asparagine.
Molecular consequence: missense variant.
Genome position (GRCh38, 1-based): chrX:78,011,177, G>A. VCF-style: chrX-78011177-G-A. GRCh37 (hg19) VCF-style: chrX-77266674-G-A.
Other names: c.1871G>A, p.Ser624Asn (NM_001282224.2); short protein forms S624N.
Identifiers: ClinVar variation 4792483 (VCV004792483.1).
Genomic context (GRCh38, chrX:78,011,177, plus strand): 5'-TTCTCTATACAATATTTATATGTTCAGTGAAATAATTTTTTTCTCATGAATTTCCTTAGA[G>A]CTTAGGTTTTGAAGCTTCTTTGGTCAAGAAGGATCGGTCAGCAAGTCACTTAGATCATAA-3'
Protein context (NP_000043.4, residues 614-634): GPRDIIHTIE[Ser624Asn]LGFEASLVKK

ClinVar aggregate classification (germline): Uncertain significance (1 of 4 stars; one submission).

Conditions:
Menkes kinky-hair syndrome (MNK). Also called: Classic Menkes Disease; Copper transport disease; Menkes Disease. Identifiers: Orphanet 565, MedGen C0022716, MONDO:0010651, OMIM 309400.
Cutis laxa, X-linked (OHS). Also called: EDS IX; Occipital horn syndrome. Identifiers: Orphanet 198, MedGen C0268353, MONDO:0010572, OMIM 304150.
X-linked distal spinal muscular atrophy type 3. Also called: ATP7A-Related Distal Motor Neuropathy; SPINAL MUSCULAR ATROPHY, DISTAL, X-LINKED RECESSIVE; NEURONOPATHY, DISTAL HEREDITARY MOTOR, X-LINKED; NEUROPATHY, DISTAL HEREDITARY MOTOR, X-LINKED. Identifiers: Orphanet 139557, MedGen C1845359, MONDO:0010338, OMIM 300489.

gnomAD v4.1: 1 of 1,207,513 alleles (0.000083%); highest among the groups gnomAD compares: Non-Finnish European, 0.00011%; no homozygotes.

Submission:

Labcorp Genetics (formerly Invitae), Labcorp
Classification: Uncertain significance for X-linked distal spinal muscular atrophy type 3; Cutis laxa, X-linked; Menkes kinky-hair syndrome. Last evaluated: 2025-05-21. Review status: criteria provided, single submitter. Criteria: Invitae Variant Classification Sherloc (09022015). Collection method: clinical testing. Allele origin: germline.
Comment: This sequence change replaces serine, which is neutral and polar, with asparagine, which is neutral and polar, at codon 624 of the ATP7A protein (p.Ser624Asn). This variant is not present in population databases (gnomAD no frequency). This variant has not been reported in the literature in individuals affected with ATP7A-related conditions. An algorithm developed to predict the effect of missense changes on protein structure and function outputs the following: PolyPhen-2: "Benign". The asparagine amino acid residue is found in multiple mammalian species, which suggests that this missense change does not adversely affect protein function. In summary, the available evidence is currently insufficient to determine the role of this variant in disease. Therefore, it has been classified as a Variant of Uncertain Significance.